The following is an entry in ClinVar:

ClinVar aggregate classification (germline): Uncertain significance. Review status: criteria provided, multiple submitters, no conflicts (2 of 4 stars). 2 submissions from 2 submitters: Uncertain significance (2). Last evaluated 2022-03-01.

Allele frequency attached by ClinVar (database versions not stated): gnomAD exomes below 0.00001; ExAC 0.00001.
gnomAD v4.1: 7 of 1,614,214 alleles (0.00043%); highest among the groups gnomAD compares: Admixed American, 0.0017%; no homozygotes.

Submissions (2):

CeGaT Center for Human Genetics Tuebingen
Classification: Uncertain significance. Last evaluated: 2022-03-01. Review status: criteria provided, single submitter. Criteria: CeGaT Center For Human Genetics Tuebingen Variant Classification Criteria Version 2. Collection method: clinical testing. Allele origin: germline. Affected: yes. Observed: 1 variant allele.
Comment: OPA1: PM2

Labcorp Genetics (formerly Invitae), Labcorp
Classification: Uncertain significance. Last evaluated: 2020-10-31. Review status: criteria provided, single submitter. Criteria: Invitae Variant Classification Sherloc (09022015). Collection method: clinical testing. Allele origin: germline.
Comment: In summary, the available evidence is currently insufficient to determine the role of this variant in disease. Therefore, it has been classified as a Variant of Uncertain Significance. Advanced modeling of protein sequence and biophysical properties (such as structural, functional, and spatial information, amino acid conservation, physicochemical variation, residue mobility, and thermodynamic stability) performed at Invitae indicates that this missense variant is expected to disrupt OPA1 protein function. This variant has not been reported in the literature in individuals with OPA1-related conditions. This variant is present in population databases (rs767232015, ExAC 0.009%). This sequence change replaces leucine with serine at codon 93 of the OPA1 protein (p.Leu93Ser). The leucine residue is moderately conserved and there is a large physicochemical difference between leucine and serine.

NM_130837.3(OPA1):c.278T>C (p.Leu93Ser)

Gene: OPA1 (OPA1 mitochondrial dynamin like GTPase; plus strand). Cytogenetic location: 3q29.
Variant type: single nucleotide variant.
Coding change: c.278T>C on transcript NM_130837.3 (MANE Select); coding-DNA position 278, T replaced by C.
Protein change: p.Leu93Ser; replaces leucine 93 with serine.
Molecular consequence: missense variant. On other transcripts: 5 prime UTR variant (2).
Genome position (GRCh38, 1-based): chr3:193,614,968, T>C. VCF-style: chr3-193614968-T-C. GRCh37 (hg19) VCF-style: chr3-193332757-T-C.
Other names: c.-95T>C (NM_001354663.2, NM_001354664.2); c.278T>C, p.Leu93Ser (NM_015560.3, NM_130831.3, NM_130832.3 and 4 more transcripts); short protein forms L93S.
Identifiers: ClinVar variation 1005620 (VCV001005620.38), dbSNP rs767232015, ClinGen allele CA2758968.